The following is an entry in ClinVar:

NM_001447.3(FAT2):c.6344A>G (p.Tyr2115Cys)

Genes: FAT2 (FAT atypical cadherin 2; minus strand), SLC36A1 (solute carrier family 36 member 1; plus strand). Cytogenetic location: 5q33.1.
Variant type: single nucleotide variant.
Coding change: c.6344A>G on transcript NM_001447.3 (MANE Select); coding-DNA position 6344, A replaced by G.
Protein change: p.Tyr2115Cys; replaces tyrosine 2115 with cysteine.
Molecular consequence: missense variant.
Genome position (GRCh38, 1-based): chr5:151,544,783, T>C on the plus strand (A>G on the coding strand, the complement: FAT2 is on the minus strand). VCF-style: chr5-151544783-T-C. GRCh37 (hg19) VCF-style: chr5-150924344-T-C.
Other names: short protein forms Y2115C.
Identifiers: ClinVar variation 4537328 (VCV004537328.1).

ClinVar aggregate classification (germline): Uncertain significance (1 of 4 stars; one submission).

gnomAD v4.1: 87 of 1,614,046 alleles (0.0054%); highest among the groups gnomAD compares: Non-Finnish European, 0.0071%; no homozygotes.

Submission:

Women's Health and Genetics/Laboratory Corporation of America, LabCorp
Classification: Uncertain significance. Last evaluated: 2025-11-18. Review status: criteria provided, single submitter. Criteria: LabCorp Variant Classification Summary - May 2015. Collection method: clinical testing. Allele origin: germline.
Comment: Variant summary: FAT2 c.6344A>G (p.Tyr2115Cys) results in a non-conservative amino acid change in the encoded protein sequence. Algorithms developed to predict the effect of missense changes on protein structure and function are either unavailable or do not agree on the potential impact of this missense change. The variant allele was found at a frequency of 1.6e-05 in 251316 control chromosomes. The available data on variant occurrences in the general population are insufficient to allow any conclusion about variant significance. To our knowledge, no occurrence of c.6344A>G in individuals affected with FAT2-related conditions and no experimental evidence demonstrating its impact on protein function have been reported. No submitters have cited clinical-significance assessments for this variant to ClinVar. Based on the evidence outlined above, the variant was classified as uncertain significance.